The following is an entry in ClinVar:

NM_030958.3(SLCO5A1):c.1133A>C (p.Lys378Thr)

Gene: SLCO5A1 (solute carrier organic anion transporter family member 5A1; minus strand). Cytogenetic location: 8q13.3.
Variant type: single nucleotide variant.
Coding change: c.1133A>C on transcript NM_030958.3 (MANE Select); coding-DNA position 1133, A replaced by C.
Protein change: p.Lys378Thr; replaces lysine 378 with threonine.
Molecular consequence: missense variant.
Genome position (GRCh38, 1-based): chr8:69,755,549, T>G on the plus strand (A>C on the coding strand, the complement: SLCO5A1 is on the minus strand). VCF-style: chr8-69755549-T-G. GRCh37 (hg19) VCF-style: chr8-70667784-T-G.
Other names: c.1133A>C, p.Lys378Thr (NM_001146008.2, NM_001146009.1); short protein forms K378T.
Identifiers: ClinVar variation 1946681 (VCV001946681.5), dbSNP rs770309710, ClinGen allele CA4776648.
Genomic context (GRCh38, chr8:69,755,549, plus strand): 5'-TTCTCCTTCAGAACATCGTCATCACTAACAGCATCAACAGAAAATTTTTTCTTTTTCTTT[T>G]TCTTGTGTCGAGGTGGAAGCTTTTTTGGGAAAGTAAACATTGGGAATATCACAAGAAACA-3'
Protein context (NP_112220.2, residues 368-388): FPKKLPPRHK[Lys378Thr]KKKKKFSVDA

ClinVar aggregate classification (germline): Uncertain significance (1 of 4 stars; one submission).

Allele frequency attached by ClinVar (database versions not stated): gnomAD exomes below 0.00001; ExAC 0.00001.
gnomAD v4.1: 1 of 1,614,152 alleles (0.000062%); highest among the groups gnomAD compares: Admixed American, 0.0017%; no homozygotes.

Submission:

Labcorp Genetics (formerly Invitae), Labcorp
Classification: Uncertain significance. Last evaluated: 2022-07-01. Review status: criteria provided, single submitter. Criteria: Invitae Variant Classification Sherloc (09022015). Collection method: clinical testing. Allele origin: germline.
Comment: This sequence change replaces lysine, which is basic and polar, with threonine, which is neutral and polar, at codon 378 of the SLCO5A1 protein (p.Lys378Thr). This variant is present in population databases (rs770309710, gnomAD 0.003%). This variant has not been reported in the literature in individuals affected with SLCO5A1-related conditions. Algorithms developed to predict the effect of missense changes on protein structure and function are either unavailable or do not agree on the potential impact of this missense change (SIFT: "Deleterious"; PolyPhen-2: "Benign"; Align-GVGD: "Class C0"). In summary, the available evidence is currently insufficient to determine the role of this variant in disease. Therefore, it has been classified as a Variant of Uncertain Significance.